The following is an entry in ClinVar:

ClinVar aggregate classification (germline): Conflicting classifications of pathogenicity. Review status: criteria provided, conflicting classifications (1 of 4 stars). 3 submissions from 3 submitters: Uncertain significance (1); Likely benign (2). Last evaluated 2023-11-01.

Conditions:
Inborn genetic diseases. Identifiers: MedGen C0950123, MeSH D030342.
Erythrocytosis, familial, 4 (ECYT4). Identifiers: Orphanet 247511, MedGen C2673187, MONDO:0012729, OMIM 611783.

Allele frequency attached by ClinVar (database versions not stated): ExAC 0.00001; gnomAD exomes 0.00002 and 0.00006; gnomAD 0.00003; TOPMed 0.00004.
gnomAD v4.1: 100 of 1,612,000 alleles (0.0062%); highest among the groups gnomAD compares: Non-Finnish European, 0.0076%; 1 homozygote.

Submissions (3):

CeGaT Center for Human Genetics Tuebingen
Classification: Likely benign. Last evaluated: 2023-11-01. Review status: criteria provided, single submitter. Criteria: CeGaT Center For Human Genetics Tuebingen Variant Classification Criteria Version 2. Collection method: clinical testing. Allele origin: germline. Affected: yes. Observed: 1 variant allele.
Comment: EPAS1: BP4, BP7

Ambry Genetics
Classification: Likely benign for Inborn genetic diseases. Last evaluated: 2022-03-03. Review status: criteria provided, single submitter. Criteria: Ambry Variant Classification Scheme 2023. Collection method: clinical testing. Allele origin: germline.

Illumina Laboratory Services, Illumina
Classification: Uncertain significance for Erythrocytosis, familial, 4. Last evaluated: 2018-01-13. Review status: criteria provided, single submitter. Criteria: ICSL Variant Classification Criteria 13 December 2019. Collection method: clinical testing. Allele origin: germline.

NM_001430.5(EPAS1):c.1248C>T (p.Phe416=)

Gene: EPAS1 (endothelial PAS domain protein 1; plus strand). Cytogenetic location: 2p21.
Variant type: single nucleotide variant.
Coding change: c.1248C>T on transcript NM_001430.5 (MANE Select); coding-DNA position 1248, C replaced by T.
Protein change: p.Phe416=; no amino-acid change (phenylalanine 416 retained).
Molecular consequence: synonymous variant.
Genome position (GRCh38, 1-based): chr2:46,376,752, C>T. VCF-style: chr2-46376752-C-T. GRCh37 (hg19) VCF-style: chr2-46603891-C-T.
Identifiers: ClinVar variation 897742 (VCV000897742.29), dbSNP rs761886735, ClinGen allele CA1644919.